The following is an entry in ClinVar:

ClinVar aggregate classification (germline): Likely pathogenic. Review status: criteria provided, multiple submitters, no conflicts (2 of 4 stars). 2 submissions from 2 submitters: Likely pathogenic (2). Last evaluated 2023-10-01.

Submissions (2):

CeGaT Center for Human Genetics Tuebingen
Classification: Likely pathogenic. Last evaluated: 2023-10-01. Review status: criteria provided, single submitter. Criteria: CeGaT Center For Human Genetics Tuebingen Variant Classification Criteria Version 2. Collection method: clinical testing. Allele origin: germline. Affected: yes. Observed: 1 variant allele.
Comment: TUBB3: PM2, PM5, PP2, PP3

GeneDx
Classification: Likely pathogenic. Last evaluated: 2022-06-15. Review status: criteria provided, single submitter. Criteria: GeneDx Variant Classification Process June 2021. Collection method: clinical testing. Allele origin: germline. Affected: yes.
Comment: Not observed at significant frequency in large population cohorts (gnomAD); Missense variants in this gene are often considered pathogenic (HGMD); In silico analysis supports that this missense variant has a deleterious effect on protein structure/function; Has not been previously published as pathogenic or benign to our knowledge; This variant is associated with the following publications: (PMID: 20829227)

NM_006086.4(TUBB3):c.1172G>A (p.Arg391His)

Gene: TUBB3 (tubulin beta 3 class III; plus strand). Cytogenetic location: 16q24.3.
Variant type: single nucleotide variant.
Coding change: c.1172G>A on transcript NM_006086.4 (MANE Select); coding-DNA position 1172, G replaced by A.
Protein change: p.Arg391His; replaces arginine 391 with histidine.
Molecular consequence: missense variant.
Genome position (GRCh38, 1-based): chr16:89,935,623, G>A. VCF-style: chr16-89935623-G-A. GRCh37 (hg19) VCF-style: chr16-90002031-G-A.
Other names: c.956G>A, p.Arg319His (NM_001197181.2); short protein forms R319H, R391H.
Identifiers: ClinVar variation 1804227 (VCV001804227.25), dbSNP rs886039497, ClinGen allele CA397476882.